The following is an entry in ClinVar:

NM_005506.4(SCARB2):c.275+201C>T

Gene: SCARB2 (scavenger receptor class B member 2; minus strand). Cytogenetic location: 4q21.1.
Variant type: single nucleotide variant.
Coding change: c.275+201C>T on transcript NM_005506.4 (MANE Select); 201 bases into the intron after coding-DNA position 275, C replaced by T.
Molecular consequence: intron variant.
Genome position (GRCh38, 1-based): chr4:76,195,506, G>A on the plus strand (C>T on the coding strand, the complement: SCARB2 is on the minus strand). VCF-style: chr4-76195506-G-A. GRCh37 (hg19) VCF-style: chr4-77116659-G-A.
Other names: c.275+201C>T (NM_001204255.2).
Identifiers: ClinVar variation 673153 (VCV000673153.1), dbSNP rs59815580, ClinGen allele CA99848677.

ClinVar aggregate classification (germline): Benign (1 of 4 stars; one submission).

Allele frequency attached by ClinVar (database versions not stated): gnomAD exomes 0.00270; gnomAD 0.02318 and 0.02528; 1000 Genomes Project 0.02536; TOPMed 0.02635; 1000 Genomes Project 30x 0.02748.
gnomAD v4.1: 4,756 of 588,726 alleles (0.81%); highest among the groups gnomAD compares: African/African-American, 7.9%; 165 homozygotes.

Submission:

GeneDx
Classification: Benign. Last evaluated: 2018-06-19. Review status: criteria provided, single submitter. Criteria: GeneDx Variant Classification (06012015). Collection method: clinical testing. Allele origin: germline. Affected: yes.
Comment: This variant is considered likely benign or benign based on one or more of the following criteria: it is a conservative change, it occurs at a poorly conserved position in the protein, it is predicted to be benign by multiple in silico algorithms, and/or has population frequency not consistent with disease.